The following is an entry in ClinVar:

NM_001114753.3(ENG):c.1039A>C (p.Lys347Gln)

Gene: ENG (endoglin; minus strand). Cytogenetic location: 9q34.11.
Variant type: single nucleotide variant.
Coding change: c.1039A>C on transcript NM_001114753.3 (MANE Select); coding-DNA position 1039, A replaced by C.
Protein change: p.Lys347Gln; replaces lysine 347 with glutamine.
Molecular consequence: missense variant.
Genome position (GRCh38, 1-based): chr9:127,824,399, T>G on the plus strand (A>C on the coding strand, the complement: ENG is on the minus strand). VCF-style: chr9-127824399-T-G. GRCh37 (hg19) VCF-style: chr9-130586678-T-G.
Other names: c.1039A>C, p.Lys347Gln (NM_000118.4, NM_001406715.1); c.493A>C, p.Lys165Gln (NM_001278138.2); short protein forms K165Q, K347Q.
Identifiers: ClinVar variation 5035980 (VCV005035980.1).
Genomic context (GRCh38, chr9:127,824,399, plus strand): 5'-CGTCGTCGGCACACTTTGTCTGGATCAAGGACATGAGCAGCTCCGGGCTACAAGTGTCCT[T>G]GGGAGGAGTGGTCTGGATCGGTGCGGGTGAGGTCTGCAGCCTACCACCTGTGGGGTAGCA-3'
Protein context (NP_001108225.1, residues 337-357): SPAPIQTTPP[Lys347Gln]DTCSPELLMS

ClinVar aggregate classification (germline): Uncertain significance (1 of 4 stars; one submission).

Conditions:
Cardiovascular phenotype. Identifiers: MedGen CN230736.

gnomAD v4.1: 1 of 1,613,610 alleles (0.000062%); highest among the groups gnomAD compares: East Asian, 0.0022%; no homozygotes.

Submission:

Ambry Genetics
Classification: Uncertain significance for Cardiovascular phenotype. Last evaluated: 2026-08-18. Review status: criteria provided, single submitter. Criteria: Ambry Variant Classification Scheme 2023. Collection method: clinical testing. Allele origin: germline.
Comment: The p.K347Q variant (also known as c.1039A>C), located in coding exon 8 of the ENG gene, results from an A to C substitution at nucleotide position 1039. The lysine at codon 347 is replaced by glutamine, an amino acid with similar properties. This amino acid position is conserved. In addition, this alteration is predicted to be tolerated by in silico analysis. Based on the available evidence, the clinical significance of this variant remains unclear.